The following is an entry in ClinVar:

ClinVar aggregate classification (germline): Uncertain significance (1 of 4 stars; one submission).

Conditions:
ALG1-congenital disorder of glycosylation. Also called: ALG1-CDG; CONGENITAL DISORDER OF GLYCOSYLATION, TYPE Ik; CDG Ik. Identifiers: Orphanet 79327, MedGen C2931005, MONDO:0012052, OMIM 608540.

gnomAD v4.1: 3 of 1,614,188 alleles (0.00019%); highest among the groups gnomAD compares: Admixed American, 0.005%; no homozygotes.

Submission:

Labcorp Genetics (formerly Invitae), Labcorp
Classification: Uncertain significance for ALG1-congenital disorder of glycosylation. Last evaluated: 2022-07-19. Review status: criteria provided, single submitter. Criteria: Invitae Variant Classification Sherloc (09022015). Collection method: clinical testing. Allele origin: germline.
Comment: This sequence change replaces valine, which is neutral and non-polar, with aspartic acid, which is acidic and polar, at codon 96 of the ALG1 protein (p.Val96Asp). This variant is present in population databases (no rsID available, gnomAD 0.003%). This variant has not been reported in the literature in individuals affected with ALG1-related conditions. ClinVar contains an entry for this variant (Variation ID: 1000220). Algorithms developed to predict the effect of missense changes on protein structure and function (SIFT, PolyPhen-2, Align-GVGD) all suggest that this variant is likely to be tolerated. In summary, the available evidence is currently insufficient to determine the role of this variant in disease. Therefore, it has been classified as a Variant of Uncertain Significance.

NM_019109.5(ALG1):c.287T>A (p.Val96Asp)

Gene: ALG1 (ALG1 chitobiosyldiphosphodolichol beta-mannosyltransferase; plus strand). Cytogenetic location: 16p13.3.
Variant type: single nucleotide variant.
Coding change: c.287T>A on transcript NM_019109.5 (MANE Select); coding-DNA position 287, T replaced by A.
Protein change: p.Val96Asp; replaces valine 96 with aspartic acid.
Molecular consequence: missense variant. On other transcripts: 5 prime UTR variant (1).
Genome position (GRCh38, 1-based): chr16:5,073,153, T>A. VCF-style: chr16-5073153-T-A. GRCh37 (hg19) VCF-style: chr16-5123154-T-A.
Other names: c.-47T>A (NM_001330504.2); short protein forms V96D.
Identifiers: ClinVar variation 1000220 (VCV001000220.6), dbSNP rs534863399, ClinGen allele CA394679794.